The following is an entry in ClinVar:

NM_004606.5(TAF1):c.4312C>T (p.Arg1438Cys)

Gene: TAF1 (TATA-box binding protein associated factor 1; plus strand). Cytogenetic location: Xq13.1.
Variant type: single nucleotide variant.
Coding change: c.4312C>T on transcript NM_004606.5 (MANE Select); coding-DNA position 4312, C replaced by T.
Protein change: p.Arg1438Cys; replaces arginine 1438 with cysteine.
Molecular consequence: missense variant. On other transcripts: non-coding transcript variant (9).
Genome position (GRCh38, 1-based): chrX:71,408,079, C>T. VCF-style: chrX-71408079-C-T. GRCh37 (hg19) VCF-style: chrX-70627929-C-T.
Other names: c.4312C>T, p.Arg1438Cys (NM_001286074.2); c.4249C>T, p.Arg1417Cys (NM_138923.4); c.4372C>T (NM_004606.3); short protein forms R1458C, R1417C, R1438C.
Identifiers: ClinVar variation 633554 (VCV000633554.6), dbSNP rs1569313767, ClinGen allele CA413538030.

ClinVar aggregate classification (germline): Uncertain significance. Review status: criteria provided, multiple submitters, no conflicts (2 of 4 stars). 3 submissions from 3 submitters: Uncertain significance (3). Last evaluated 2025-06-12.

Conditions:
Inborn genetic diseases. Identifiers: MedGen C0950123, MeSH D030342.

gnomAD v4.1: 1 of 1,211,747 alleles (0.000083%); no homozygotes.

Submissions (3):

Labcorp Genetics (formerly Invitae), Labcorp
Classification: Uncertain significance. Last evaluated: 2025-06-12. Review status: criteria provided, single submitter. Criteria: Invitae Variant Classification Sherloc (09022015). Collection method: clinical testing. Allele origin: germline.
Comment: This sequence change replaces arginine, which is basic and polar, with cysteine, which is neutral and slightly polar, at codon 1458 of the TAF1 protein (p.Arg1458Cys). This variant is not present in population databases (gnomAD no frequency). This variant has not been reported in the literature in individuals affected with TAF1-related conditions. ClinVar contains an entry for this variant (Variation ID: 633554). Invitae Evidence Modeling of protein sequence and biophysical properties (such as structural, functional, and spatial information, amino acid conservation, physicochemical variation, residue mobility, and thermodynamic stability) indicates that this missense variant is not expected to disrupt TAF1 protein function with a negative predictive value of 80%. In summary, the available evidence is currently insufficient to determine the role of this variant in disease. Therefore, it has been classified as a Variant of Uncertain Significance.

Ambry Genetics
Classification: Uncertain significance for Inborn genetic diseases. Last evaluated: 2020-07-20. Review status: criteria provided, single submitter. Criteria: Ambry Variant Classification Scheme 2023. Collection method: clinical testing. Allele origin: germline.
Comment: The alteration results in an amino acid change:_x000D_ _x000D_ The c.4372C>T (p.R1458C) alteration is located in coding exon 28 of the TAF1 gene. This alteration results from a C to T substitution at nucleotide position 4372, causing the arginine (R) at amino acid position 1458 to be replaced by a cysteine (C). The alteration is not observed in population databases:_x000D_ _x000D_ Based on data from the Genome Aggregation Database (gnomAD), the TAF1 c.4372C>T alteration was not observed, with coverage at this position. The altered amino acid is conserved throughout evolution:_x000D_ _x000D_ The p.R1458 amino acid is conserved in available vertebrate species, although cysteine (C) is the reference amino acid in the rhesus monkey. The alteration is predicted tolerated by in silico modeling:_x000D_ _x000D_ The p.R1458C alteration is predicted to be tolerated by in silico analysis. Based on insufficient or conflicting evidence, the clinical significance of this alteration remains unclear.

Laboratory of Molecular Genetics (Pr. Bezieau's lab), CHU de Nantes
Classification: Uncertain significance. Last evaluated: 2018-11-09. Review status: criteria provided, single submitter. Criteria: ACMG Guidelines, 2015. Collection method: clinical testing. Allele origin: germline. Affected: yes.